The following is an entry in ClinVar:

NM_004304.5(ALK):c.952+3A>G

Gene: ALK (ALK receptor tyrosine kinase; minus strand). Cytogenetic location: 2p23.2.
Variant type: single nucleotide variant.
Coding change: c.952+3A>G on transcript NM_004304.5 (MANE Select); 3 bases into the intron after coding-DNA position 952, A replaced by G.
Molecular consequence: intron variant.
Genome position (GRCh38, 1-based): chr2:29,694,847, T>C on the plus strand (A>G on the coding strand, the complement: ALK is on the minus strand). VCF-style: chr2-29694847-T-C. GRCh37 (hg19) VCF-style: chr2-29917713-T-C.
Identifiers: ClinVar variation 538211 (VCV000538211.13), dbSNP rs1200110360, ClinGen allele CA531671243.

ClinVar aggregate classification (germline): Uncertain significance. Review status: criteria provided, multiple submitters, no conflicts (2 of 4 stars). 3 submissions from 3 submitters: Uncertain significance (3). Last evaluated 2025-05-16.

Conditions:
Neuroblastoma, susceptibility to, 3. Also called: ALK-Related Neuroblastic Tumor Susceptibility. Identifiers: Orphanet 635, MedGen C2751681, MONDO:0013083, OMIM 613014.
Hereditary cancer-predisposing syndrome. Also called: Neoplastic Syndromes, Hereditary; Tumor predisposition; Hereditary Cancer Syndrome; Hereditary neoplastic syndrome. Identifiers: Orphanet 140162, MedGen C0027672, MeSH D009386, MONDO:0015356.

gnomAD v4.1: 1 of 1,613,706 alleles (0.000062%); highest among the groups gnomAD compares: Admixed American, 0.0017%; no homozygotes.

Submissions (3):

Ambry Genetics
Classification: Uncertain significance for Hereditary cancer-predisposing syndrome. Last evaluated: 2025-05-16. Review status: criteria provided, single submitter. Criteria: Ambry Variant Classification Scheme 2023. Collection method: clinical testing. Allele origin: germline.
Comment: The c.952+3A>G intronic variant results from an A to G substitution 3 nucleotides after coding exon 3 in the ALK gene. This nucleotide position is highly conserved in available vertebrate species. In silico splice site analysis predicts that this alteration will not have any significant effect on splicing. Based on the available evidence, the clinical significance of this variant remains unclear.

Labcorp Genetics (formerly Invitae), Labcorp
Classification: Uncertain significance for Neuroblastoma, susceptibility to, 3. Last evaluated: 2025-04-29. Review status: criteria provided, single submitter. Criteria: Invitae Variant Classification Sherloc (09022015). Collection method: clinical testing. Allele origin: germline.
Comment: This sequence change falls in intron 3 of the ALK gene. It does not directly change the encoded amino acid sequence of the ALK protein. It affects a nucleotide within the consensus splice site. This variant is present in population databases (no rsID available, gnomAD 0.003%). This variant has not been reported in the literature in individuals affected with ALK-related conditions. ClinVar contains an entry for this variant (Variation ID: 538211). Variants that disrupt the consensus splice site are a relatively common cause of aberrant splicing (PMID: 17576681, 9536098). Algorithms developed to predict the effect of sequence changes on RNA splicing suggest that this variant is not likely to affect RNA splicing. In summary, the available evidence is currently insufficient to determine the role of this variant in disease. Therefore, it has been classified as a Variant of Uncertain Significance.

GeneDx
Classification: Uncertain significance. Last evaluated: 2023-08-08. Review status: criteria provided, single submitter. Criteria: GeneDx Variant Classification Process June 2021. Collection method: clinical testing. Allele origin: germline. Affected: yes.
Comment: Not observed at significant frequency in large population cohorts (gnomAD); In silico analysis supports that this variant does not alter splicing; Has not been previously published as pathogenic or benign to our knowledge

Literature cited by the submitters: PubMed 17576681 (cited by Labcorp Genetics (formerly Invitae), Labcorp); PubMed 9536098 (cited by Labcorp Genetics (formerly Invitae), Labcorp).